The following is an entry in ClinVar:

NM_007294.4(BRCA1):c.475_482dup (p.Val162fs)

Gene: BRCA1 (BRCA1 DNA repair associated; minus strand). Cytogenetic location: 17q21.31.
Variant type: Duplication.
Coding change: c.475_482dup on transcript NM_007294.4 (MANE Select); coding-DNA positions 475 to 482, 8 bases duplicated (CTTGGAAC; older notation c.475_482dupCTTGGAAC).
Protein change: p.Val162fs; shifts the reading frame from valine 162.
Molecular consequence: frameshift variant. On other transcripts: intron variant (2).
Genome position (GRCh38, 1-based): chr17:43,099,840-43,099,847, GTTCCAAG duplicated on the plus strand (CTTGGAAC on the coding strand, the reverse complement: BRCA1 is on the minus strand); duplicating any 8 consecutive bases within chr17:43,099,840-43,099,850 gives the same sequence; the c. name uses the placement nearest the transcript's 3' end. VCF-style (leftmost placement, unchanged base first): chr17-43099839-A-AGTTCCAAG. GRCh37 (hg19) VCF-style: chr17-41251856-A-AGTTCCAAG.
Other names: c.331_338dup, p.Val114fs (NM_001407744.1, NM_001407745.1, NM_001407746.1 and 35 more transcripts); c.334_341dup, p.Val115fs (NM_001407750.1, NM_001407751.1, NM_001407752.1 and 61 more transcripts); c.262_269dup, p.Val91fs (NM_001407853.1, NM_001407894.1, NM_001407895.1 and 18 more transcripts); c.475_482dup, p.Val162fs (NM_001407854.1, NM_001407858.1, NM_001407859.1 and 96 more transcripts); c.472_479dup, p.Val161fs (NM_001407860.1, NM_001407861.1, NM_001407940.1 and 65 more transcripts); c.397_404dup, p.Val136fs (NM_001407862.1, NM_001408409.1, NM_001408411.1 and 12 more transcripts); c.394_401dup, p.Val135fs (NM_001407874.1, NM_001407875.1, NM_001408413.1 and 6 more transcripts); c.265_272dup, p.Val92fs (NM_001407879.1, NM_001407881.1, NM_001407882.1 and 37 more transcripts); and 6 more; short protein forms V117fs, V135fs, V136fs, V34fs, V35fs, V91fs, V161fs, V162fs.
Identifiers: ClinVar variation 2818336 (VCV002818336.3), dbSNP rs2552240116, ClinGen allele CA2739265599.

ClinVar aggregate classification (germline): Pathogenic (1 of 4 stars; one submission).

Conditions:
Hereditary breast ovarian cancer syndrome. Also called: Hereditary breast and ovarian cancer; BRCA1- and BRCA2-Associated Hereditary Breast and Ovarian Cancer; Hereditary breast and ovarian cancer syndrome; Breast and ovarian cancer; Hereditary breast and ovarian cancer syndrome (HBOC); Hereditary breast and/or ovarian cancer syndrome. Identifiers: Orphanet 145, MedGen C0677776, MeSH D061325, MONDO:0003582. Disease mechanism: loss of function.

Submission:

Labcorp Genetics (formerly Invitae), Labcorp
Classification: Pathogenic for Hereditary breast ovarian cancer syndrome. Last evaluated: 2022-12-03. Review status: criteria provided, single submitter. Criteria: Invitae Variant Classification Sherloc (09022015). Collection method: clinical testing. Allele origin: germline.
Comment: For these reasons, this variant has been classified as Pathogenic. This variant has not been reported in the literature in individuals affected with BRCA1-related conditions. This variant is not present in population databases (gnomAD no frequency). This sequence change creates a premature translational stop signal (p.Val162Leufs*4) in the BRCA1 gene. It is expected to result in an absent or disrupted protein product. Loss-of-function variants in BRCA1 are known to be pathogenic (PMID: 20104584).

Literature cited by the submitters: PubMed 20104584.